The following is an entry in ClinVar:

NM_001286445.3(RIPOR2):c.2390C>A (p.Thr797Asn)

Gene: RIPOR2 (RHO family interacting cell polarization regulator 2; minus strand). Cytogenetic location: 6p22.3.
Variant type: single nucleotide variant.
Coding change: c.2390C>A on transcript NM_001286445.3 (MANE Select); coding-DNA position 2390, C replaced by A.
Protein change: p.Thr797Asn; replaces threonine 797 with asparagine.
Molecular consequence: missense variant.
Genome position (GRCh38, 1-based): chr6:24,830,625, G>T on the plus strand (C>A on the coding strand, the complement: RIPOR2 is on the minus strand). VCF-style: chr6-24830625-G-T. GRCh37 (hg19) VCF-style: chr6-24830853-G-T.
Other names: c.2453C>A (NM_014722.2); c.2303C>A, p.Thr768Asn (NM_001346031.2, NM_001346032.2); c.2453C>A, p.Thr818Asn (NM_014722.5); short protein forms T768N, T797N, T818N.
Identifiers: ClinVar variation 3625019 (VCV003625019.3).

ClinVar aggregate classification (germline): Uncertain significance. Review status: criteria provided, multiple submitters, no conflicts (2 of 4 stars). 2 submissions from 2 submitters: Uncertain significance (2). Last evaluated 2025-04-03.

gnomAD v4.1: 4 of 1,551,376 alleles (0.00026%); highest among the groups gnomAD compares: Admixed American, 0.0059%; no homozygotes.

Submissions (2):

Ambry Genetics
Classification: Uncertain significance. Last evaluated: 2025-04-03. Review status: criteria provided, single submitter. Criteria: Ambry Variant Classification Scheme 2023. Collection method: clinical testing. Allele origin: germline.

Labcorp Genetics (formerly Invitae), Labcorp
Classification: Uncertain significance. Last evaluated: 2024-10-27. Review status: criteria provided, single submitter. Criteria: Invitae Variant Classification Sherloc (09022015). Collection method: clinical testing. Allele origin: germline.
Comment: This sequence change replaces threonine, which is neutral and polar, with asparagine, which is neutral and polar, at codon 818 of the FAM65B protein (p.Thr818Asn). This variant is present in population databases (no rsID available, gnomAD 0.008%). This variant has not been reported in the literature in individuals affected with FAM65B-related conditions. An algorithm developed to predict the effect of missense changes on protein structure and function (PolyPhen-2) suggests that this variant is likely to be tolerated. In summary, the available evidence is currently insufficient to determine the role of this variant in disease. Therefore, it has been classified as a Variant of Uncertain Significance.